The following is an entry in ClinVar:

ClinVar aggregate classification (germline): Uncertain significance (1 of 4 stars; one submission).

gnomAD v4.1: 1 of 1,612,854 alleles (0.000062%); no homozygotes.

Submission:

GeneDx
Classification: Uncertain significance. Last evaluated: 2026-04-23. Review status: criteria provided, single submitter. Criteria: GeneDx Variant Classification Process June 2021. Collection method: clinical testing. Allele origin: germline.
Comment: Not observed at significant frequency in large population cohorts (gnomAD); In silico analysis suggests that this missense variant does not alter protein structure/function; Has not been previously published as pathogenic or benign to our knowledge

NM_024120.5(NDUFAF5):c.22T>C (p.Trp8Arg)

Genes: NDUFAF5 (NADH:ubiquinone oxidoreductase complex assembly factor 5; plus strand), LOC130065433 (ATAC-STARR-seq lymphoblastoid active region 17552; plus strand). Cytogenetic location: 20p12.1.
Variant type: single nucleotide variant.
Coding change: c.22T>C on transcript NM_024120.5 (MANE Select); coding-DNA position 22, T replaced by C.
Protein change: p.Trp8Arg; replaces tryptophan 8 with arginine.
Molecular consequence: missense variant. On other transcripts: 5 prime UTR variant (3), non-coding transcript variant (7).
Genome position (GRCh38, 1-based): chr20:13,785,090, T>C. VCF-style: chr20-13785090-T-C. GRCh37 (hg19) VCF-style: chr20-13765736-T-C.
Other names: c.22T>C, p.Trp8Arg (NM_001039375.3, NM_001352408.2); c.-346T>C (NM_001352403.2); c.-560T>C (NM_001352406.2); c.-674T>C (NM_001352407.2); short protein forms W8R.
Identifiers: ClinVar variation 5037488 (VCV005037488.1).